The following is an entry in ClinVar:

ClinVar aggregate classification (germline): Uncertain significance (1 of 4 stars; one submission).

gnomAD v4.1: 162 of 1,551,566 alleles (0.01%); highest among the groups gnomAD compares: Non-Finnish European, 0.014%; no homozygotes.

Submission:

Labcorp Genetics (formerly Invitae), Labcorp
Classification: Uncertain significance. Last evaluated: 2025-09-28. Review status: criteria provided, single submitter. Criteria: Invitae Variant Classification Sherloc (09022015). Collection method: clinical testing. Allele origin: germline.
Comment: This sequence change replaces glycine, which is neutral and non-polar, with arginine, which is basic and polar, at codon 1754 of the TET2 protein (p.Gly1754Arg). This variant is present in population databases (rs557302168, gnomAD 0.03%). This variant has not been reported in the literature in individuals affected with TET2-related conditions. ClinVar contains an entry for this variant (Variation ID: 3625244). An algorithm developed to predict the effect of missense changes on protein structure and function outputs the following: PolyPhen-2: "Benign". The arginine amino acid residue is found in multiple mammalian species, which suggests that this missense change does not adversely affect protein function. In summary, the available evidence is currently insufficient to determine the role of this variant in disease. Therefore, it has been classified as a Variant of Uncertain Significance.

NM_001127208.3(TET2):c.5260G>C (p.Gly1754Arg)

Genes: TET2 (tet methylcytosine dioxygenase 2; plus strand), TET2-AS1 (TET2 antisense RNA 1; minus strand). Cytogenetic location: 4q24.
Variant type: single nucleotide variant.
Coding change: c.5260G>C on transcript NM_001127208.3 (MANE Select); coding-DNA position 5260, G replaced by C.
Protein change: p.Gly1754Arg; replaces glycine 1754 with arginine.
Molecular consequence: missense variant.
Genome position (GRCh38, 1-based): chr4:105,275,770, G>C. VCF-style: chr4-105275770-G-C. GRCh37 (hg19) VCF-style: chr4-106196927-G-C.
Other names: short protein forms G1754R.
Identifiers: ClinVar variation 3625244 (VCV003625244.2).